The following is an entry in ClinVar:

NM_000371.4(TTR):c.124G>A (p.Gly42Ser)

Gene: TTR (transthyretin; plus strand). Cytogenetic location: 18q12.1.
Variant type: single nucleotide variant.
Coding change: c.124G>A on transcript NM_000371.4 (MANE Select); coding-DNA position 124, G replaced by A.
Protein change: p.Gly42Ser; replaces glycine 42 with serine.
Molecular consequence: missense variant.
Genome position (GRCh38, 1-based): chr18:31,592,950, G>A. VCF-style: chr18-31592950-G-A. GRCh37 (hg19) VCF-style: chr18-29172913-G-A.
Other names: short protein forms G42S.
Identifiers: ClinVar variation 1372970 (VCV001372970.5), dbSNP rs2144406621, ClinGen allele CA402156649.

ClinVar aggregate classification (germline): Uncertain significance (1 of 4 stars; one submission).

Conditions:
Amyloidosis, hereditary systemic 1 (AMYLD1). Also called: Hereditary oculoleptomeningeal amyloid angiopathy; Familial Transthyretin Amyloidosis; Familial amyloid polyneuropathy; Transthyretin Amyloidosis; AMYLOID CARDIOMYOPATHY; Isolated Cardiac Amyloidosis. Identifiers: Orphanet 85447, Orphanet 85451, MedGen C2751492, MONDO:0971004, OMIM 105210.

Submission:

Labcorp Genetics (formerly Invitae), Labcorp
Classification: Uncertain significance for Amyloidosis, hereditary systemic 1. Last evaluated: 2022-07-12. Review status: criteria provided, single submitter. Criteria: Invitae Variant Classification Sherloc (09022015). Collection method: clinical testing. Allele origin: germline.
Comment: This sequence change replaces glycine, which is neutral and non-polar, with serine, which is neutral and polar, at codon 42 of the TTR protein (p.Gly42Ser). This variant is not present in population databases (gnomAD no frequency). This variant has not been reported in the literature in individuals affected with TTR-related conditions. ClinVar contains an entry for this variant (Variation ID: 1372970). Advanced modeling of protein sequence and biophysical properties (such as structural, functional, and spatial information, amino acid conservation, physicochemical variation, residue mobility, and thermodynamic stability) performed at Invitae indicates that this missense variant is expected to disrupt TTR protein function. In summary, the available evidence is currently insufficient to determine the role of this variant in disease. Therefore, it has been classified as a Variant of Uncertain Significance.